The following is an entry in ClinVar:

ClinVar aggregate classification (germline): Uncertain significance (1 of 4 stars; one submission).

Conditions:
Leber congenital amaurosis 4 (LCA4). Identifiers: MedGen C1858386, MONDO:0011458, OMIM 604393.

Allele frequency attached by ClinVar (database versions not stated): gnomAD exomes below 0.00001 and 0.00001; ExAC 0.00001.
gnomAD v4.1: 5 of 1,610,890 alleles (0.00031%); highest among the groups gnomAD compares: East Asian, 0.011%; no homozygotes.

Submission:

Labcorp Genetics (formerly Invitae), Labcorp
Classification: Uncertain significance for Leber congenital amaurosis 4. Last evaluated: 2024-07-29. Review status: criteria provided, single submitter. Criteria: Invitae Variant Classification Sherloc (09022015). Collection method: clinical testing. Allele origin: germline.
Comment: This sequence change replaces proline, which is neutral and non-polar, with leucine, which is neutral and non-polar, at codon 354 of the AIPL1 protein (p.Pro354Leu). This variant is present in population databases (rs766639726, gnomAD 0.01%). This variant has not been reported in the literature in individuals affected with AIPL1-related conditions. ClinVar contains an entry for this variant (Variation ID: 1061399). Experimental studies and prediction algorithms are not available or were not evaluated, and the functional significance of this variant is currently unknown. In summary, the available evidence is currently insufficient to determine the role of this variant in disease. Therefore, it has been classified as a Variant of Uncertain Significance.

NM_014336.5(AIPL1):c.1061C>T (p.Pro354Leu)

Gene: AIPL1 (AIP like 1 HSP90 co-chaperone; minus strand). Cytogenetic location: 17p13.2.
Variant type: single nucleotide variant.
Coding change: c.1061C>T on transcript NM_014336.5 (MANE Select); coding-DNA position 1061, C replaced by T.
Protein change: p.Pro354Leu; replaces proline 354 with leucine.
Molecular consequence: missense variant. On other transcripts: 3 prime UTR variant (1).
Genome position (GRCh38, 1-based): chr17:6,425,554, G>A on the plus strand (C>T on the coding strand, the complement: AIPL1 is on the minus strand). VCF-style: chr17-6425554-G-A. GRCh37 (hg19) VCF-style: chr17-6328874-G-A.
Other names: c.872C>T, p.Pro291Leu (NM_001033054.3); c.881C>T, p.Pro294Leu (NM_001033055.3); c.1025C>T, p.Pro342Leu (NM_001285399.3); c.995C>T, p.Pro332Leu (NM_001285400.3); c.989C>T, p.Pro330Leu (NM_001285401.3); c.944C>T, p.Pro315Leu (NM_001285402.2); c.*1032C>T (NM_001285403.4); short protein forms P291L, P294L, P315L, P330L, P332L, P342L, P354L.
Identifiers: ClinVar variation 1061399 (VCV001061399.8), dbSNP rs766639726, ClinGen allele CA8328320.